The following is an entry in ClinVar:

NM_001267550.2(TTN):c.90530T>G (p.Phe30177Cys)

Genes: TTN (titin; minus strand), TTN-AS1 (TTN antisense RNA 1; plus strand). Cytogenetic location: 2q31.2.
Variant type: single nucleotide variant.
Coding change: c.90530T>G on transcript NM_001267550.2 (MANE Select); coding-DNA position 90530, T replaced by G.
Protein change: p.Phe30177Cys; replaces phenylalanine 30177 with cysteine.
Molecular consequence: missense variant.
Genome position (GRCh38, 1-based): chr2:178,552,370, A>C on the plus strand (T>G on the coding strand, the complement: TTN is on the minus strand). VCF-style: chr2-178552370-A-C. GRCh37 (hg19) VCF-style: chr2-179417097-A-C.
Other names: c.82826T>G, p.Phe27609Cys (NM_133378.4); c.63710T>G, p.Phe21237Cys (NM_133432.3); c.63911T>G, p.Phe21304Cys (NM_133437.4); c.85607T>G, p.Phe28536Cys (NM_001256850.1); c.63335T>G, p.Phe21112Cys (NM_003319.4); short protein forms F21112C, F21237C, F21304C, F27609C, F28536C, F30177C.
Identifiers: ClinVar variation 3344822 (VCV003344822.1).
Genomic context (GRCh38, chr2:178,552,370, plus strand): 5'-TCCTTCTTGGCATTCTTAATACTCAAAGTAATTTTGTTTTCAGTTTTACTGAAGCGAACA[A>C]ATTCACTTTCTTTCAGTGGCAAGCCATCTTTCAGCCAACTGATGGATGGTTTGGGTTTTC-3'
Protein context (NP_001254479.2, residues 30167-30187): KDGLPLKESE[Phe30177Cys]VRFSKTENKI

ClinVar aggregate classification (germline): Uncertain significance (0 of 4 stars; one submission).

Conditions:
TTN-related disorder. Also called: TTN-related disorders; TTN-related condition; TTN-related disease.

gnomAD v4.1: 5 of 1,593,538 alleles (0.00031%); highest among the groups gnomAD compares: East Asian, 0.011%; no homozygotes.

Submission:

PreventionGenetics, part of Exact Sciences
Classification: Uncertain significance for TTN-related condition. Last evaluated: 2024-06-03. Review status: no assertion criteria provided. Collection method: clinical testing. Allele origin: germline.
Comment: The TTN c.90530T>G variant is predicted to result in the amino acid substitution p.Phe30177Cys. To our knowledge, this variant has not been reported in the literature. This variant is reported in 0.0057% of alleles in individuals of East Asian descent in gnomAD. At this time, the clinical significance of this variant is uncertain due to the absence of conclusive functional and genetic evidence.